The following is an entry in ClinVar:

NM_006766.5(KAT6A):c.2152A>T (p.Lys718Ter)

Gene: KAT6A (lysine acetyltransferase 6A; minus strand). Cytogenetic location: 8p11.21.
Variant type: single nucleotide variant.
Coding change: c.2152A>T on transcript NM_006766.5 (MANE Select); coding-DNA position 2152, A replaced by T.
Protein change: p.Lys718Ter; replaces lysine 718 with a stop codon.
Molecular consequence: nonsense.
Genome position (GRCh38, 1-based): chr8:41,943,824, T>A on the plus strand (A>T on the coding strand, the complement: KAT6A is on the minus strand). VCF-style: chr8-41943824-T-A. GRCh37 (hg19) VCF-style: chr8-41801342-T-A.
Other names: c.2152A>T, p.Lys718Ter (NM_001305878.2); short protein forms K718*.
Identifiers: ClinVar variation 4835895 (VCV004835895.1).

ClinVar aggregate classification (germline): Pathogenic (1 of 4 stars; one submission).

Conditions:
Inborn genetic diseases. Identifiers: MedGen C0950123, MeSH D030342.

Submission:

Ambry Genetics
Classification: Pathogenic for Inborn genetic diseases. Last evaluated: 2026-01-12. Review status: criteria provided, single submitter. Criteria: Ambry Variant Classification Scheme 2023. Collection method: clinical testing. Allele origin: germline.
Comment: The c.2152A>T (p.K718*) alteration, located in exon 13 (coding exon 12) of the KAT6A gene, consists of an A to T substitution at nucleotide position 2152. This changes the amino acid from a lysine (K) to a stop codon at amino acid position 718. This alteration is expected to result in loss of function by premature protein truncation or nonsense-mediated mRNA decay. This variant was not reported in population-based cohorts in the Genome Aggregation Database (gnomAD). Based on the available evidence, this alteration is classified as pathogenic.